The following is an entry in ClinVar:

NM_001039569.2(AP1S3):c.64A>G (p.Thr22Ala)

Gene: AP1S3 (adaptor related protein complex 1 subunit sigma 3; minus strand). Cytogenetic location: 2q36.1.
Variant type: single nucleotide variant.
Coding change: c.64A>G on transcript NM_001039569.2 (MANE Select); coding-DNA position 64, A replaced by G.
Protein change: p.Thr22Ala; replaces threonine 22 with alanine.
Molecular consequence: missense variant. On other transcripts: non-coding transcript variant (2).
Genome position (GRCh38, 1-based): chr2:223,777,809, T>C on the plus strand (A>G on the coding strand, the complement: AP1S3 is on the minus strand). VCF-style: chr2-223777809-T-C. GRCh37 (hg19) VCF-style: chr2-224642526-T-C.
Other names: short protein forms T22A.
Identifiers: ClinVar variation 1301564 (VCV001301564.29), dbSNP rs149183052, ClinGen allele CA2138419.

ClinVar aggregate classification (germline): Likely benign. Review status: criteria provided, multiple submitters, no conflicts (2 of 4 stars). 5 submissions from 5 submitters: Likely benign (4). 1 of the submissions does not count toward it. Last evaluated 2025-05-01.

Conditions:
Psoriasis 15, pustular, susceptibility to (PSORS15). Identifiers: Orphanet 247353, MedGen C4015235, MONDO:0014494, OMIM 616106.
AP1S3-related disorder. Also called: AP1S3-related condition.

Allele frequency attached by ClinVar (database versions not stated): ESP Exome Variant Server 0.00109; gnomAD exomes 0.00110 and 0.00114; ExAC 0.00111; gnomAD 0.00120 and 0.00125; TOPMed 0.00153; 1000 Genomes Project 0.00160; 1000 Genomes Project 30x 0.00187.
gnomAD v4.1: 1,874 of 1,613,880 alleles (0.12%); highest among the groups gnomAD compares: Middle Eastern, 0.68%; 2 homozygotes.

Submissions (5):

CeGaT Center for Human Genetics Tuebingen
Classification: Likely benign. Last evaluated: 2025-05-01. Review status: criteria provided, single submitter. Criteria: CeGaT Center For Human Genetics Tuebingen Variant Classification Criteria Version 2. Collection method: clinical testing. Allele origin: germline. Affected: yes. Observed: 3 variant alleles.
Comment: AP1S3: BP4, BS2

Blueprint Genetics
Classification: Likely benign. Last evaluated: 2024-11-24. Review status: criteria provided, single submitter. Criteria: ACMG Guidelines, 2015. Collection method: clinical testing. Allele origin: germline.

Dubai Health Genomic Medicine Center, Dubai Health
Classification: Likely benign for Psoriasis 15, pustular, susceptibility to. Last evaluated: 2019-12-23. Review status: criteria provided, single submitter. Criteria: ACMG Guidelines, 2015. Collection method: clinical testing. Allele origin: germline. Affected: yes.

Breakthrough Genomics
Classification: Likely benign. Review status: criteria provided, single submitter. Criteria: ACMG Guidelines, 2015. Collection method: not provided. Allele origin: germline. Inheritance: Autosomal dominant inheritance. Affected: yes.

PreventionGenetics, part of Exact Sciences
Classification: Likely benign for AP1S3-related condition. Last evaluated: 2020-06-25. Review status: no assertion criteria provided. Collection method: clinical testing. Allele origin: germline. Not counted in ClinVar's aggregate classification.
Comment: This variant is classified as likely benign based on ACMG/AMP sequence variant interpretation guidelines (Richards et al. 2015 PMID: 25741868, with internal and published modifications).